The following is an entry in ClinVar:

NM_178857.6(RP1L1):c.4832G>A (p.Arg1611Gln)

Gene: RP1L1 (RP1 like 1). Cytogenetic location: 8p23.1.
Variant type: single nucleotide variant.
Coding change: c.4832G>A on transcript NM_178857.6 (MANE Select); coding-DNA position 4832, G replaced by A.
Protein change: p.Arg1611Gln; replaces arginine 1611 with glutamine.
Molecular consequence: missense variant.
Genome position (GRCh38, 1-based): chr8:10,609,266, C>T on the plus strand (G>A on the coding strand, the complement: RP1L1 is on the minus strand). VCF-style: chr8-10609266-C-T. GRCh37 (hg19) VCF-style: chr8-10466776-C-T.
Other names: c.4832G>A (NM_178857.5); short protein forms R1611Q.
Identifiers: ClinVar variation 4899022 (VCV004899022.2).

ClinVar aggregate classification (germline): Uncertain significance. Review status: criteria provided, multiple submitters, no conflicts (2 of 4 stars). 2 submissions from 2 submitters: Uncertain significance (2). Last evaluated 2026-09-14.

Conditions:
RP1L1-related disorder. Also called: RP1L1-related condition.

gnomAD v4.1: 41 of 1,609,012 alleles (0.0025%); highest among the groups gnomAD compares: African/African-American, 0.021%; no homozygotes.

Submissions (2):

PreventionGenetics, part of Exact Sciences
Classification: Uncertain significance for RP1L1-related condition. Last evaluated: 2026-09-14. Review status: criteria provided, single submitter. Criteria: ACMG Guidelines, 2015. Collection method: clinical testing. Allele origin: germline.
Comment: The RP1L1 c.4832G>A variant is predicted to result in the amino acid substitution p.Arg1611Gln. To our knowledge, this variant has not been reported in the literature. This variant is reported in 0.022% of alleles in individuals of African descent in gnomAD. At this time, the clinical significance of this variant is uncertain due to the absence of conclusive functional and genetic evidence.

Blueprint Genetics
Classification: Uncertain significance. Last evaluated: 2023-06-22. Review status: criteria provided, single submitter. Criteria: ACMG Guidelines, 2015. Collection method: clinical testing. Allele origin: germline.